The following is an entry in ClinVar:

ClinVar aggregate classification (germline): Uncertain significance (1 of 4 stars; one submission).

Conditions:
Asphyxiating thoracic dystrophy 5 (SRTD5). Also called: SHORT-RIB THORACIC DYSPLASIA 5 WITHOUT POLYDACTYLY; SHORT-RIB THORACIC DYSPLASIA 5 WITH OR WITHOUT POLYDACTYLY. Identifiers: Orphanet 474, MedGen C3280598, MONDO:0013717, OMIM 614376.
Senior-Loken syndrome 8 (SLSN8). Identifiers: Orphanet 3156, MedGen C4225376, MONDO:0014579, OMIM 616307.

Allele frequency attached by ClinVar (database versions not stated): gnomAD exomes below 0.00001 and 0.00001.
gnomAD v4.1: 3 of 1,612,712 alleles (0.00019%); highest among the groups gnomAD compares: South Asian, 0.0033%; no homozygotes.

Submission:

Labcorp Genetics (formerly Invitae), Labcorp
Classification: Uncertain significance for Senior-Loken syndrome 8; Asphyxiating thoracic dystrophy 5. Last evaluated: 2022-07-26. Review status: criteria provided, single submitter. Criteria: Invitae Variant Classification Sherloc (09022015). Collection method: clinical testing. Allele origin: germline.
Comment: In summary, the available evidence is currently insufficient to determine the role of this variant in disease. Therefore, it has been classified as a Variant of Uncertain Significance. Algorithms developed to predict the effect of missense changes on protein structure and function output the following: SIFT: "Tolerated"; PolyPhen-2: "Benign"; Align-GVGD: "Class C0". The histidine amino acid residue is found in multiple mammalian species, which suggests that this missense change does not adversely affect protein function. ClinVar contains an entry for this variant (Variation ID: 1460603). This variant has not been reported in the literature in individuals affected with WDR19-related conditions. This variant is present in population databases (no rsID available, gnomAD 0.007%). This sequence change replaces asparagine, which is neutral and polar, with histidine, which is basic and polar, at codon 981 of the WDR19 protein (p.Asn981His).

NM_025132.4(WDR19):c.2941A>C (p.Asn981His)

Gene: WDR19 (WD repeat domain 19; plus strand). Cytogenetic location: 4p14.
Variant type: single nucleotide variant.
Coding change: c.2941A>C on transcript NM_025132.4 (MANE Select); coding-DNA position 2941, A replaced by C.
Protein change: p.Asn981His; replaces asparagine 981 with histidine.
Molecular consequence: missense variant.
Genome position (GRCh38, 1-based): chr4:39,253,970, A>C. VCF-style: chr4-39253970-A-C. GRCh37 (hg19) VCF-style: chr4-39255590-A-C.
Other names: c.2461A>C, p.Asn821His (NM_001317924.2); short protein forms N821H, N981H.
Identifiers: ClinVar variation 1460603 (VCV001460603.6), dbSNP rs1486655648, ClinGen allele CA356641859.